The following is an entry in ClinVar:

ClinVar aggregate classification (germline): Conflicting classifications of pathogenicity. Review status: criteria provided, conflicting classifications (1 of 4 stars). 4 submissions from 4 submitters: Uncertain significance (1); Benign (2). 1 of the submissions does not count toward it. Last evaluated 2026-06-01.

Conditions:
Premature ovarian insufficiency (POF). Also called: Premature ovarian failure. Identifiers: MedGen C4303540, HP:0008209.
IGSF10-related disorder. Also called: IGSF10-related condition.

Allele frequency attached by ClinVar (database versions not stated): 1000 Genomes Project 0.00280; gnomAD exomes 0.00844 and 0.00641; gnomAD 0.00635 and 0.00655; ESP Exome Variant Server 0.00669; 1000 Genomes Project 30x 0.00281; ExAC 0.00667; TOPMed 0.00478.
gnomAD v4.1: 13,243 of 1,614,146 alleles (0.82%); highest among the groups gnomAD compares: Non-Finnish European, 0.96%; 86 homozygotes.

Submissions (4):

CeGaT Center for Human Genetics Tuebingen
Classification: Benign. Last evaluated: 2026-06-01. Review status: criteria provided, single submitter. Criteria: CeGaT Center For Human Genetics Tuebingen Variant Classification Criteria Version 2. Collection method: clinical testing. Allele origin: germline. Affected: yes. Observed: 9 variant alleles.
Comment: IGSF10: BP4, BS1, BS2

Labcorp Genetics (formerly Invitae), Labcorp
Classification: Benign. Last evaluated: 2026-01-19. Review status: criteria provided, single submitter. Criteria: Invitae Variant Classification Sherloc (09022015). Collection method: clinical testing. Allele origin: germline.

Lupski Lab, Baylor-Hopkins CMG, Baylor College of Medicine
Classification: Uncertain significance for Primary Ovarian Insufficiency. Last evaluated: 2019-04-22. Review status: criteria provided, single submitter. Criteria: Jolly et al. (J Clin Endocrinol Metab. 2019). Collection method: research. Allele origin: inherited, unknown. Inheritance: Autosomal recessive inheritance. Affected: yes and no. Observed: 4 variant alleles, 3 heterozygotes, 1 homozygote. Clinical features observed: Hypergonadotropic hypogonadism (HP:0000815), Hashimoto thyroiditis (HP:0000872).

PreventionGenetics, part of Exact Sciences
Classification: Benign for IGSF10-related condition. Last evaluated: 2019-03-11. Review status: no assertion criteria provided. Collection method: clinical testing. Allele origin: germline. Not counted in ClinVar's aggregate classification.
Comment: This variant is classified as benign based on ACMG/AMP sequence variant interpretation guidelines (Richards et al. 2015 PMID: 25741868, with internal and published modifications).

NM_178822.5(IGSF10):c.2237C>G (p.Pro746Arg)

Gene: IGSF10 (immunoglobulin superfamily member 10; minus strand). Cytogenetic location: 3q25.1.
Variant type: single nucleotide variant.
Coding change: c.2237C>G on transcript NM_178822.5 (MANE Select); coding-DNA position 2237, C replaced by G.
Protein change: p.Pro746Arg; replaces proline 746 with arginine.
Molecular consequence: missense variant.
Genome position (GRCh38, 1-based): chr3:151,447,744, G>C on the plus strand (C>G on the coding strand, the complement: IGSF10 is on the minus strand). VCF-style: chr3-151447744-G-C. GRCh37 (hg19) VCF-style: chr3-151165532-G-C.
Other names: c.2237C>G, p.Pro746Arg (NM_001385060.1, NM_001385061.1, NM_001385062.1 and 1 more transcripts); short protein forms P746R.
Identifiers: ClinVar variation 779232 (VCV000779232.37), dbSNP rs35667704, ClinGen allele CA2670381.
Genomic context (GRCh38, chr3:151,447,744, plus strand): 5'-TTCTTTTTAGCTTTCTCCAACAGTGCCGCCCAATGTTGTGGGTCAATTCTCCTAGCAGAG[G>C]GAGGGAAATGCCTCCTATTCTCCCTAAAACGTCGATGTGTTGAATCTCCACGTCGCTGGA-3'
Protein context (NP_849144.2, residues 736-756): RFRENRRHFP[Pro746Arg]SARRIDPQHW